The following is an entry in ClinVar:

ClinVar aggregate classification (germline): Uncertain significance (1 of 4 stars; one submission).

Conditions:
Perlman syndrome (PRLMNS). Identifiers: Orphanet 2849, MedGen C0796113, MONDO:0009965, OMIM 267000.

Allele frequency attached by ClinVar (database versions not stated): gnomAD exomes below 0.00001.
gnomAD v4.1: 1 of 1,614,200 alleles (0.000062%); highest among the groups gnomAD compares: Non-Finnish European, 0.000085%; no homozygotes.

Submission:

Labcorp Genetics (formerly Invitae), Labcorp
Classification: Uncertain significance for Perlman syndrome. Last evaluated: 2024-01-19. Review status: criteria provided, single submitter. Criteria: Invitae Variant Classification Sherloc (09022015). Collection method: clinical testing. Allele origin: germline.
Comment: This sequence change replaces threonine, which is neutral and polar, with alanine, which is neutral and non-polar, at codon 505 of the DIS3L2 protein (p.Thr505Ala). This variant is not present in population databases (gnomAD no frequency). This variant has not been reported in the literature in individuals affected with DIS3L2-related conditions. ClinVar contains an entry for this variant (Variation ID: 1004246). Advanced modeling of protein sequence and biophysical properties (such as structural, functional, and spatial information, amino acid conservation, physicochemical variation, residue mobility, and thermodynamic stability) performed at Invitae indicates that this missense variant is not expected to disrupt DIS3L2 protein function with a negative predictive value of 80%. In summary, the available evidence is currently insufficient to determine the role of this variant in disease. Therefore, it has been classified as a Variant of Uncertain Significance.

NM_152383.5(DIS3L2):c.1513A>G (p.Thr505Ala)

Gene: DIS3L2 (DIS3 like 3'-5' exoribonuclease 2; plus strand). Cytogenetic location: 2q37.1.
Variant type: single nucleotide variant.
Coding change: c.1513A>G on transcript NM_152383.5 (MANE Select); coding-DNA position 1513, A replaced by G.
Protein change: p.Thr505Ala; replaces threonine 505 with alanine.
Molecular consequence: missense variant. On other transcripts: non-coding transcript variant (2).
Genome position (GRCh38, 1-based): chr2:232,263,294, A>G. VCF-style: chr2-232263294-A-G. GRCh37 (hg19) VCF-style: chr2-233128004-A-G.
Other names: c.1513A>G, p.Thr505Ala (NM_001257281.2); short protein forms T505A.
Identifiers: ClinVar variation 1004246 (VCV001004246.8), dbSNP rs1693766225, ClinGen allele CA350975431.